The following is an entry in ClinVar:

ClinVar aggregate classification (germline): Pathogenic. Review status: criteria provided, multiple submitters, no conflicts (2 of 4 stars). 2 submissions from 2 submitters: Pathogenic (2). Last evaluated 2025-12-12.

Conditions:
Hereditary cancer-predisposing syndrome. Also called: Neoplastic Syndromes, Hereditary; Tumor predisposition; Hereditary Cancer Syndrome; Hereditary neoplastic syndrome. Identifiers: Orphanet 140162, MedGen C0027672, MeSH D009386, MONDO:0015356.
Familial adenomatous polyposis 1 (FAP1). Also called: FAMILIAL ADENOMATOUS POLYPOSIS 1, ATTENUATED; POLYPOSIS, ADENOMATOUS INTESTINAL. Identifiers: MedGen C2713442, MONDO:0021056, OMIM 175100. Disease mechanism: loss of function.

Submissions (2):

Ambry Genetics
Classification: Pathogenic for Hereditary cancer-predisposing syndrome. Last evaluated: 2025-12-12. Review status: criteria provided, single submitter. Criteria: Ambry Variant Classification Scheme 2023. Collection method: clinical testing. Allele origin: germline.
Comment: The c.754delA pathogenic mutation, located in coding exon 7 of the APC gene, results from a deletion of one nucleotide at nucleotide position 754, causing a translational frameshift with a predicted alternate stop codon (p.T252Pfs*41). This variant is considered to be rare based on population cohorts in the Genome Aggregation Database (gnomAD). This alteration is expected to result in loss of function by premature protein truncation or nonsense-mediated mRNA decay. As such, this alteration is interpreted as a disease-causing mutation.

Myriad Genetics, Inc.
Classification: Pathogenic for Familial adenomatous polyposis 1. Last evaluated: 2023-04-27. Review status: criteria provided, single submitter. Criteria: Myriad Autosomal Dominant, Autosomal Recessive and X-Linked Classification Criteria (2023). Collection method: clinical testing. Allele origin: unknown.
Comment: This variant is considered pathogenic. This variant creates a frameshift predicted to result in premature protein truncation.

NM_000038.6(APC):c.754del (p.Thr252fs)

Gene: APC (APC regulator of Wnt signaling pathway; plus strand). Cytogenetic location: 5q22.2.
Variant type: Deletion.
Coding change: c.754del on transcript NM_000038.6 (MANE Select); coding-DNA position 754, one base deleted (A; older notation c.754delA).
Protein change: p.Thr252fs; shifts the reading frame from threonine 252.
Molecular consequence: frameshift variant. On other transcripts: 5 prime UTR variant (1).
Genome position (GRCh38, 1-based): chr5:112,801,303, A deleted; the last of 3 consecutive A bases (chr5:112,801,301-112,801,303); deleting any one gives the same sequence. VCF-style (leftmost placement, unchanged base first): chr5-112801300-GA-G. GRCh37 (hg19) VCF-style: chr5-112136997-GA-G.
Other names: c.754del, p.Thr252fs (NM_001127510.3, NM_001354895.2, NM_001354896.2 and 1 more transcripts); c.700del, p.Thr234fs (NM_001127511.3); c.784del, p.Thr262fs (NM_001354897.2, NM_001354902.2); c.679del, p.Thr227fs (NM_001354898.2, NM_001354904.2); c.670del, p.Thr224fs (NM_001354899.2); c.577del, p.Thr193fs (NM_001354900.2, NM_001354901.2, NM_001354905.2); c.-282del (NM_001354906.2); c.784delA, p.Thr262Profs (NM_001407446.1); and 5 more; short protein forms T234fs, T252fs, T262fs, T193fs, T224fs, T227fs.
Identifiers: ClinVar variation 1759474 (VCV001759474.4), dbSNP rs2532750705, ClinGen allele CA2580072502.